The following is an entry in ClinVar:

NM_015932.6(POMP):c.112G>C (p.Val38Leu)

Gene: POMP (proteasome maturation protein; plus strand). Cytogenetic location: 13q12.3.
Variant type: single nucleotide variant.
Coding change: c.112G>C on transcript NM_015932.6 (MANE Select); coding-DNA position 112, G replaced by C.
Protein change: p.Val38Leu; replaces valine 38 with leucine.
Molecular consequence: missense variant.
Genome position (GRCh38, 1-based): chr13:28,664,519, G>C. VCF-style: chr13-28664519-G-C. GRCh37 (hg19) VCF-style: chr13-29238656-G-C.
Other names: c.112G>C (NM_015932.5); short protein forms V38L.
Identifiers: ClinVar variation 1922984 (VCV001922984.8), dbSNP rs148838797, ClinGen allele CA6931030.

ClinVar aggregate classification (germline): Uncertain significance. Review status: criteria provided, multiple submitters, no conflicts (2 of 4 stars). 2 submissions from 2 submitters: Uncertain significance (2). Last evaluated 2025-07-27.

Conditions:
Inborn genetic diseases. Identifiers: MedGen C0950123, MeSH D030342.

Allele frequency attached by ClinVar (database versions not stated): gnomAD exomes below 0.00001; gnomAD 0.00001; ExAC 0.00002; ESP Exome Variant Server 0.00008.
gnomAD v4.1: 7 of 1,574,532 alleles (0.00044%); highest among the groups gnomAD compares: African/African-American, 0.0014%; no homozygotes.

Submissions (3):

Labcorp Genetics (formerly Invitae), Labcorp
Classification: Uncertain significance. Last evaluated: 2025-07-27. Review status: criteria provided, single submitter. Criteria: Invitae Variant Classification Sherloc (09022015). Collection method: clinical testing. Allele origin: germline.
Comment: This sequence change replaces valine, which is neutral and non-polar, with leucine, which is neutral and non-polar, at codon 38 of the POMP protein (p.Val38Leu). This variant is present in population databases (rs148838797, gnomAD 0.0009%). This variant has not been reported in the literature in individuals affected with POMP-related conditions. ClinVar contains an entry for this variant (Variation ID: 1922984). An algorithm developed to predict the effect of missense changes on protein structure and function (PolyPhen-2) suggests that this variant is likely to be disruptive. In summary, the available evidence is currently insufficient to determine the role of this variant in disease. Therefore, it has been classified as a Variant of Uncertain Significance.

Ambry Genetics
Classification: Uncertain significance for Inborn genetic diseases. Last evaluated: 2023-08-14. Review status: criteria provided, single submitter. Criteria: Ambry Variant Classification Scheme 2023. Collection method: clinical testing. Allele origin: germline.

Dr. Peter K. Rogan Lab, Western University
No classification provided (evidence only). Condition: Clear cell carcinoma of kidney. Review status: no classification provided. Collection method: in vitro. Allele origin: not applicable. Functional consequence: retained intron. Not counted in ClinVar's aggregate classification.